The following is an entry in ClinVar:

ClinVar aggregate classification (germline): Uncertain significance. Review status: criteria provided, multiple submitters, no conflicts (2 of 4 stars). 3 submissions from 3 submitters: Uncertain significance (3). Last evaluated 2025-05-28.

Conditions:
Hereditary cancer-predisposing syndrome. Also called: Hereditary Cancer Syndrome; Hereditary neoplastic syndrome; Neoplastic Syndromes, Hereditary; Tumor predisposition. Identifiers: Orphanet 140162, MedGen C0027672, MeSH D009386, MONDO:0015356.
Ataxia-telangiectasia syndrome (AT). Also called: Ataxia-telangiectasia, complementation group E; LOUIS-BAR SYNDROME; Cerebello-oculocutaneous telangiectasia; Immunodeficiency with ataxia telangiectasia; Ataxia-telangiectasia, complementation group D; AT, COMPLEMENTATION GROUP C. Identifiers: Orphanet 100, MedGen C0004135, MONDO:0008840, OMIM 208900.

Allele frequency attached by ClinVar (database versions not stated): gnomAD exomes below 0.00001.
gnomAD v4.1: 2 of 1,603,892 alleles (0.00012%); highest among the groups gnomAD compares: South Asian, 0.0011%; no homozygotes.

Submissions (3):

Labcorp Genetics (formerly Invitae), Labcorp
Classification: Uncertain significance for Ataxia-telangiectasia syndrome. Last evaluated: 2025-05-28. Review status: criteria provided, single submitter. Criteria: Invitae Variant Classification Sherloc (09022015). Collection method: clinical testing. Allele origin: germline.
Comment: This sequence change replaces serine, which is neutral and polar, with tyrosine, which is neutral and polar, at codon 1135 of the ATM protein (p.Ser1135Tyr). This variant is not present in population databases (gnomAD no frequency). This variant has not been reported in the literature in individuals affected with ATM-related conditions. ClinVar contains an entry for this variant (Variation ID: 923405). An algorithm developed to predict the effect of missense changes on protein structure and function (PolyPhen-2) suggests that this variant is likely to be tolerated. In summary, the available evidence is currently insufficient to determine the role of this variant in disease. Therefore, it has been classified as a Variant of Uncertain Significance.

Color Diagnostics, LLC DBA Color Health
Classification: Uncertain significance for Hereditary cancer-predisposing syndrome. Last evaluated: 2019-06-04. Review status: criteria provided, single submitter. Criteria: ACMG Guidelines, 2015. Collection method: clinical testing. Allele origin: germline.

Ambry Genetics
Classification: Uncertain significance for Hereditary cancer-predisposing syndrome. Last evaluated: 2017-11-13. Review status: criteria provided, single submitter. Criteria: Ambry Variant Classification Scheme 2023. Collection method: clinical testing. Allele origin: germline.
Comment: The p.S1135Y variant (also known as c.3404C>A), located in coding exon 23 of the ATM gene, results from a C to A substitution at nucleotide position 3404. The serine at codon 1135 is replaced by tyrosine, an amino acid with dissimilar properties. This amino acid position is poorly conserved in available vertebrate species. In addition, this alteration is predicted to be tolerated by in silico analysis. Since supporting evidence is limited at this time, the clinical significance of this alteration remains unclear.

NM_000051.4(ATM):c.3404C>A (p.Ser1135Tyr)

Gene: ATM (ATM serine/threonine kinase; plus strand). Cytogenetic location: 11q22.3.
Variant type: single nucleotide variant.
Coding change: c.3404C>A on transcript NM_000051.4 (MANE Select); coding-DNA position 3404, C replaced by A.
Protein change: p.Ser1135Tyr; replaces serine 1135 with tyrosine.
Molecular consequence: missense variant.
Genome position (GRCh38, 1-based): chr11:108,280,996, C>A. VCF-style: chr11-108280996-C-A. GRCh37 (hg19) VCF-style: chr11-108151723-C-A.
Other names: c.3404C>A, p.Ser1135Tyr (NM_001351834.2); short protein forms S1135Y.
Identifiers: ClinVar variation 923405 (VCV000923405.9), dbSNP rs2082202102, ClinGen allele CA382518819.